The following is an entry in ClinVar:

NM_031272.5(TEX14):c.3963T>C (p.Asn1321=)

Gene: TEX14 (testis expressed 14, intercellular bridge forming factor; minus strand). Cytogenetic location: 17q22.
Variant type: single nucleotide variant.
Coding change: c.3963T>C on transcript NM_031272.5 (MANE Select); coding-DNA position 3963, T replaced by C.
Protein change: p.Asn1321=; no amino-acid change (asparagine 1321 retained).
Molecular consequence: synonymous variant.
Genome position (GRCh38, 1-based): chr17:58,565,748, A>G on the plus strand (T>C on the coding strand, the complement: TEX14 is on the minus strand). VCF-style: chr17-58565748-A-G. GRCh37 (hg19) VCF-style: chr17-56643109-A-G.
Other names: c.4101T>C, p.Asn1367= (NM_001201457.2); c.4083T>C, p.Asn1361= (NM_198393.4).
Identifiers: ClinVar variation 3058843 (VCV003058843.2), dbSNP rs34818467, ClinGen allele CA8675595.

ClinVar aggregate classification (germline): Benign (0 of 4 stars; one submission).

Conditions:
TEX14-related disorder. Also called: TEX14-related condition.

Allele frequency attached by ClinVar (database versions not stated): 1000 Genomes Project 30x 0.13460; 1000 Genomes Project 0.13858; TOPMed 0.14614; ESP Exome Variant Server 0.15339; gnomAD 0.16322; gnomAD exomes 0.20360; ExAC 0.21962.
gnomAD v4.1: 318,679 of 1,603,110 alleles (20%); highest among the groups gnomAD compares: Non-Finnish European, 21%; 33,832 homozygotes.

Submission:

PreventionGenetics, part of Exact Sciences
Classification: Benign for TEX14-related condition. Last evaluated: 2019-10-17. Review status: no assertion criteria provided. Collection method: clinical testing. Allele origin: germline.
Comment: This variant is classified as benign based on ACMG/AMP sequence variant interpretation guidelines (Richards et al. 2015 PMID: 25741868, with internal and published modifications).